The following is an entry in ClinVar:

ClinVar aggregate classification (germline): Uncertain significance. Review status: reviewed by expert panel (3 of 4 stars). 8 submissions from 8 submitters: Uncertain significance (1). 7 of the submissions do not count toward it. Last evaluated 2025-09-05.

Conditions:
F9-related disorder. Also called: F9-related condition.
Hereditary factor IX deficiency disease (HEMB). Also called: Christmas Disease; PLASMA THROMBOPLASTIN COMPONENT DEFICIENCY; Hemophilia B; F9 DEFICIENCY; FACTOR IX DEFICIENCY. Identifiers: Orphanet 98879, MedGen C0008533, MeSH D002836, MONDO:0010604, OMIM 306900.
Thrombophilia, X-linked, due to factor 9 defect. Identifiers: MedGen C2749016, MONDO:0010432, OMIM 300807.
Warfarin sensitivity, X-linked. Also called: COUMARIN SENSITIVITY, X-LINKED. Identifiers: MedGen C5393318, OMIM 301052, MONDO:0026768.

Allele frequency attached by ClinVar (database versions not stated): gnomAD exomes 0.00005 and 0.00008; gnomAD 0.00007 and 0.00008; TOPMed 0.00009; ExAC 0.00012; ESP Exome Variant Server 0.00019; 1000 Genomes Project 30x 0.00042; 1000 Genomes Project 0.00053.
gnomAD v4.1: 64 of 1,209,277 alleles (0.0053%); highest among the groups gnomAD compares: Middle Eastern, 0.023%; 1 homozygote.

Submissions (8):

ClinGen Coagulation Factor Deficiency Variant Curation Expert Panel, Clingen
Classification: Uncertain significance for Hereditary factor IX deficiency disease. Last evaluated: 2025-09-05. Review status: reviewed by expert panel. Criteria: ClinGen CoagFactor ACMG Specifications F9 V1.0.0. Collection method: curation. Allele origin: germline. Inheritance: X-linked inheritance.
Comment: The c.1346G>A, p.Arg449Gln variant is reported with a Grpmax of 0.0001042 in gnomAD v2.1.1 with 7 hemizygotes meets the BA1 threshold of 0.0000556. However, this code was not applied due to the number of reported very mild hemophilia B cases being similar to the number of hemizygotes in gnomAD. There are at least 6 published cases in the literature and >1 unpublished case in the EAHAD Database with this variant and very mild hemophilia B meeting PS4 (PMID: 31267011, 31272859, 8091381, 10739381, 8076946, 8320491). Typically, the PS4 code would not be applied when criteria for BA1 is met, but an exception was made for this variant given the number of known cases of very mild hemophilia B, which could lead to affected or undiagnosed individuals in control populations. In summary, this variant meets criteria to be classified as variant of uncertain significance. ACMG/AMP criteria applied, as specified by the Coagulation Factor Deficiency Variant Curation Expert Panel for F9: PS4.

Women's Health and Genetics/Laboratory Corporation of America, LabCorp
Classification: Uncertain significance. Last evaluated: 2026-04-27. Review status: criteria provided, single submitter. Criteria: LabCorp Variant Classification Summary - May 2015. Collection method: clinical testing. Allele origin: germline. Not counted in ClinVar's aggregate classification.
Comment: Variant summary: F9 c.1346G>A (p.Arg449Gln) results in a conservative amino acid change located in the serine proteases, trypsin domain (IPR001254) of the encoded protein sequence. Algorithms developed to predict the effect of missense changes on protein structure and function all suggest that this variant is likely to be tolerated. The variant allele was found at a frequency of 8.2e-05 in 182856 control chromosomes. This frequency is not significantly higher than estimated for a pathogenic variant in F9 causing Factor IX Deficiency (Hemophilia B) (8.2e-05 vs 0.0065), allowing no conclusion about variant significance. c.1346G>A has been reported in the literature in individuals with a mild phenotype in the Hemophilia B database and other study cohorts (Giannelli_1994, Chavali_2009, Hamasaki_2012, Carrette_2019, Baz_2021, Johnsen_2022). These reports do not provide unequivocal conclusions about association of the variant with Factor IX Deficiency (Hemophilia B). To our knowledge, no experimental evidence demonstrating an impact on protein function has been reported. The following publications have been ascertained in the context of this evaluation (PMID: 34272389, 7937052, 22639855, 35770352, 8091381, 19699296, 31272859). ClinVar contains an entry for this variant (Variation ID: 1685804). Based on the evidence outlined above, the variant was classified as uncertain significance.

PreventionGenetics, part of Exact Sciences
Classification: Uncertain significance for F9-related condition. Last evaluated: 2026-01-16. Review status: criteria provided, single submitter. Criteria: ACMG Guidelines, 2015. Collection method: clinical testing. Allele origin: germline. Not counted in ClinVar's aggregate classification.
Comment: The F9 c.1346G>A variant is predicted to result in the amino acid substitution p.Arg449Gln. This variant has been reported to cause mild hemophilia B (6-30% clotting activity) in multiple individuals (Giannelli et al 1994. PubMed ID: 7937052, referred to as 31329G>A (Arg403Gln); Chavali et al. 2009. PubMed ID: 19699296; Hamasaki-Katagiri et al 2012. PubMed ID: 22639855). This variant has been reported in the hemizygous state in 7 out of ~182,900 alleles in the gnomAD database. Additionally, another missense variant at the same amino acid position (p.Arg449Trp) has been reported to cause mild hemophilia B (Hamasaki-Katagiri et al 2012. PubMed ID: 22639855). However, the p.Arg449Gln was also observed in a patient with hemophilia A and an F8 gene inversion (Johnsen et al. 2017. PubMed ID: 29296726). This variant is interpreted as uncertain by the ClinGen Coagulation Factor Deficiency Variant Curation Expert Panel in ClinVar (ClinVar ID: 1685804). At this time, the clinical significance of the p.Arg449Gln variant is uncertain due to the absence of conclusive functional and genetic evidence.

Myriad Genetics, Inc.
Classification: Likely pathogenic for Hereditary factor IX deficiency disease. Last evaluated: 2025-05-08. Review status: criteria provided, single submitter. Criteria: Myriad Autosomal Dominant, Autosomal Recessive and X-Linked Classification Criteria (2023). Collection method: clinical testing. Allele origin: unknown. Not counted in ClinVar's aggregate classification.
Comment: NM_000133.3(F9):c.1346G>A(R449Q) is a missense variant classified as likely pathogenic in the context of Factor Ix Deficiency (Hemophilia B). R449Q has been observed in cases with relevant disease (PMID: 1740319, 8320491, 8091381, 7482427, 734633, 10739381, 29517974, 8076946, 22639855, 31272859). Relevant functional assessments of this variant are not available in the literature. R449Q has been observed in referenced population frequency databases. In summary, NM_000133.3(F9):c.1346G>A(R449Q) is a missense variant that has been observed more frequently in cases with the relevant disease than in healthy populations. Please note: this variant was assessed in the context of healthy population screening.

Mendelics
Classification: Likely pathogenic for Thrombophilia, X-linked, due to factor 9 defect. Last evaluated: 2024-06-25. Review status: criteria provided, single submitter. Criteria: Mendelics Assertion Criteria 2019. Collection method: clinical testing. Allele origin: germline. Not counted in ClinVar's aggregate classification.
Comment: The p.(Arg449Trp) variant in F9 has been previously reported in the medical literature and in the F9 Mutation Database in at least 10 patients with mild Hemophilia B (F9 Variant Database - UCL (PubMed 8076946 ; PubMed 31272859). Functional analysis in HepG2 Cells disclosed moderate reductions in both intracellular and secreted factor IX levels for this mutant (PubMed 9100030). This variant has a MAF of 0.00005976, with 19 homozygous males in population databases (gnomAD v4.0.1 non-UKB), which is not higher than expected for a pathogenic mild Hemophilia B variant. Moreover, another missense mutation at this residue (p.Arg449Trp) has been previously identified in multiple patients with Hemophilia B. Therefore, we interpret p.(Arg449Gln) as likely pathogenic.

Labcorp Genetics (formerly Invitae), Labcorp
Classification: Uncertain significance for Thrombophilia, X-linked, due to factor 9 defect; Hereditary factor IX deficiency disease. Last evaluated: 2024-06-10. Review status: criteria provided, single submitter. Criteria: Invitae Variant Classification Sherloc (09022015). Collection method: clinical testing. Allele origin: germline. Not counted in ClinVar's aggregate classification.
Comment: This sequence change replaces arginine, which is basic and polar, with glutamine, which is neutral and polar, at codon 449 of the F9 protein (p.Arg449Gln). This variant is present in population databases (rs143018900, gnomAD 0.03%). This missense change has been observed in individuals with mild hemophilia B (PMID: 7937052, 8091381, 10739381, 19699296, 22639855, 29517974). This variant is also known as R403Q. ClinVar contains an entry for this variant (Variation ID: 1685804). Advanced modeling of protein sequence and biophysical properties (such as structural, functional, and spatial information, amino acid conservation, physicochemical variation, residue mobility, and thermodynamic stability) performed at Invitae indicates that this missense variant is not expected to disrupt F9 protein function with a negative predictive value of 80%. In summary, the available evidence is currently insufficient to determine the role of this variant in disease. Therefore, it has been classified as a Variant of Uncertain Significance.

Fulgent Genetics
Classification: Pathogenic for Thrombophilia, X-linked, due to factor 9 defect; Warfarin sensitivity, X-linked; Hereditary factor IX deficiency disease. Last evaluated: 2024-05-10. Review status: criteria provided, single submitter. Criteria: ACMG Guidelines, 2015. Collection method: clinical testing. Allele origin: germline. Not counted in ClinVar's aggregate classification.

Victorian Clinical Genetics Services, Murdoch Childrens Research Institute
Classification: Uncertain significance for Hereditary factor IX deficiency disease. Last evaluated: 2021-05-06. Review status: criteria provided, single submitter. Criteria: ACMG Guidelines, 2015. Collection method: clinical testing. Allele origin: germline. Inheritance: X-linked recessive inheritance. Not counted in ClinVar's aggregate classification.
Comment: Based on the classification scheme VCGS_Germline_v1.3.4, this variant is classified as VUS-3B. Following criteria are met: 0102 - Loss of function is a known mechanism of disease in this gene and is associated with Hemophilia B (MIM#306900). (I) 0109 - This gene is associated with X-linked recessive disease. (I) 0200 - Variant is predicted to result in a missense amino acid change from arginine to glutamine. (I) 0251 - This variant is heterozygous. (I) 0304 - Variant is present in gnomAD <0.01 for a recessive condition (v3) (3 heterozygotes, 0 homozygotes, 6 hemizygotes). (SP) 0309 - An alternative amino acid change at the same position has been observed in gnomAD (v3) (7 heterozygotes, 0 homozygotes, 2 hemizygotes). (I) 0503 - Missense variant consistently predicted to be tolerated by multiple in silico tools or not conserved in placental mammals with a minor amino acid change (GS = 43). (SB) 0600 - Variant is located in the annotated trypsin domain (DECIPHER). (I) 0705 - No comparable missense variants have previous evidence for pathogenicity. The missense variant p.(Arg449Trp) has previously been reported in multiple mild hemophilia B patients however the arginine to tryptophan substitution constitutes a much larger physicochemical change (GS: 101) than the change to glutamine. Therefore, this could not be used as supporting evidence for the p.(Arg449Gln) variant. (I) 0808 - Previous reports of pathogenicity for this variant are conflicting. This variant has been reported in patients diagnosed with mild hemophilia B (PMIDs: 31272859, 29517974, Factor IX Variant Database) however has also been reported as likely benign (LOVD). In addition, this variant was also reported as a polymorphism in the Factor IX database's main publication (PMID:23617593, Factor IX Variant Database). (I) 0905 - No published segregation evidence has been identified for this variant. (I) 1007 - No published functional evidence has been identified for this variant. (I) Legend: (SP) - Supporting pathogenic, (I) - Information, (SB) - Supporting benign

Literature cited by the submitters: PubMed 19699296 (cited by Women's Health and Genetics/Laboratory Corporation of America, LabCorp and Labcorp Genetics (formerly Invitae), Labcorp); PubMed 22639855 (cited by 3 submitters); PubMed 34272389 (cited by Women's Health and Genetics/Laboratory Corporation of America, LabCorp); PubMed 7937052 (cited by Women's Health and Genetics/Laboratory Corporation of America, LabCorp and Labcorp Genetics (formerly Invitae), Labcorp); PubMed 35770352 (cited by Women's Health and Genetics/Laboratory Corporation of America, LabCorp); PubMed 8091381 (cited by 3 submitters); PubMed 31272859 (cited by 3 submitters); PubMed 10739381 (cited by Myriad Genetics, Inc. and Labcorp Genetics (formerly Invitae), Labcorp); PubMed 1740319 (cited by Myriad Genetics, Inc.); PubMed 29517974 (cited by 3 submitters); PubMed 734633 (cited by Myriad Genetics, Inc.); PubMed 7482427 (cited by Myriad Genetics, Inc.); PubMed 8076946 (cited by Myriad Genetics, Inc.); PubMed 8320491 (cited by Myriad Genetics, Inc.); PubMed 23617593 (cited by Victorian Clinical Genetics Services, Murdoch Childrens Research Institute).

NM_000133.4(F9):c.1346G>A (p.Arg449Gln)

Gene: F9 (coagulation factor IX; plus strand). Cytogenetic location: Xq27.1.
Variant type: single nucleotide variant.
Coding change: c.1346G>A on transcript NM_000133.4 (MANE Select); coding-DNA position 1346, G replaced by A.
Protein change: p.Arg449Gln; replaces arginine 449 with glutamine.
Molecular consequence: missense variant.
Genome position (GRCh38, 1-based): chrX:139,562,031, G>A. VCF-style: chrX-139562031-G-A. GRCh37 (hg19) VCF-style: chrX-138644190-G-A.
Other names: NM_001313913.2:c.1232G>A; c.1232G>A, p.Arg411Gln (NM_001313913.2); short protein forms R411Q, R449Q.
Identifiers: ClinVar variation 1685804 (VCV001685804.13), dbSNP rs143018900, ClinGen allele CA10529891.